The following is an entry in ClinVar:

ClinVar aggregate classification (germline): Benign. Review status: criteria provided, multiple submitters, no conflicts (2 of 4 stars). 3 submissions from 2 submitters: Benign (3). Last evaluated 2018-01-12.

Conditions:
Optic atrophy 3 (OPA3). Also called: OPTIC ATROPHY 3, AUTOSOMAL DOMINANT; Optic atrophy, cataract, and neurologic disorder; Optic atrophy 3 with cataract. Identifiers: Orphanet 67036, MedGen C1833809, MONDO:0008133, OMIM 165300.
3-Methylglutaconic aciduria type 3 (MGCA3). Also called: OPA3, AUTOSOMAL RECESSIVE; OPTIC ATROPHY 3, AUTOSOMAL RECESSIVE; Costeff Syndrome; OPA3-Related 3-Methylglutaconic Aciduria. Identifiers: Orphanet 67047, MedGen C0574084, MONDO:0009787, OMIM 258501.

Allele frequency attached by ClinVar (database versions not stated): gnomAD exomes 0.00306; gnomAD 0.04165 and 0.04457; TOPMed 0.04662; 1000 Genomes Project 0.04852; 1000 Genomes Project 30x 0.05106.
gnomAD v4.1: 8,924 of 985,414 alleles (0.91%); highest among the groups gnomAD compares: African/African-American, 14%; 598 homozygotes.

Submissions (3):

Illumina Laboratory Services, Illumina
Classification: Benign for Optic atrophy 3. Last evaluated: 2018-01-12. Review status: criteria provided, single submitter. Criteria: ICSL Variant Classification Criteria 13 December 2019. Collection method: clinical testing. Allele origin: germline.
Comment: This variant was observed in the ICSL laboratory as part of a predisposition screen in an ostensibly healthy population. It had not been previously curated by ICSL or reported in the Human Gene Mutation Database (HGMD: prior to June 1st, 2018), and was therefore a candidate for classification through an automated scoring system. Utilizing variant allele frequency, disease prevalence and penetrance estimates, and inheritance mode, an automated score was calculated to assess if this variant is too frequent to cause the disease. Based on the score and internal cut-off values, a variant classified as benign is not then subjected to further curation. The score for this variant resulted in a classification of benign for this disease.

Illumina Laboratory Services, Illumina
Classification: Benign for 3-Methylglutaconic aciduria type 3. Last evaluated: 2018-01-12. Review status: criteria provided, single submitter. Criteria: ICSL Variant Classification Criteria 13 December 2019. Collection method: clinical testing. Allele origin: germline.
Comment: the same text as in the submission from Illumina Laboratory Services, Illumina above.

Breakthrough Genomics
Classification: Benign. Review status: criteria provided, single submitter. Criteria: ACMG Guidelines, 2015. Collection method: not provided. Allele origin: germline. Inheritance: Autosomal recessive inheritance. Affected: yes.

NM_025136.4(OPA3):c.*1387C>T

Genes: OPA3-RTN2 (OPA3-RTN2 readthrough; minus strand), OPA3 (outer mitochondrial membrane lipid metabolism regulator OPA3; minus strand). Cytogenetic location: 19q13.32.
Variant type: single nucleotide variant.
Coding change: c.*1387C>T on transcript NM_025136.4 (MANE Select); 1387 bases downstream of the stop codon, C replaced by T.
Molecular consequence: 3 prime UTR variant. On other transcripts: intron variant (1).
Genome position (GRCh38, 1-based): chr19:45,552,127, G>A on the plus strand (C>T on the coding strand, the complement: OPA3 is on the minus strand). VCF-style: chr19-45552127-G-A. GRCh37 (hg19) VCF-style: chr19-46055385-G-A.
Other names: c.143-22671C>T (NM_001017989.3).
Identifiers: ClinVar variation 329655 (VCV000329655.6), dbSNP rs73568986, ClinGen allele CA10652588.